The following is an entry in ClinVar:

NM_014515.7(CNOT2):c.400A>G (p.Met134Val)

Gene: CNOT2 (CCR4-NOT transcription complex subunit 2; plus strand). Cytogenetic location: 12q15.
Variant type: single nucleotide variant.
Coding change: c.400A>G on transcript NM_014515.7 (MANE Select); coding-DNA position 400, A replaced by G.
Protein change: p.Met134Val; replaces methionine 134 with valine.
Molecular consequence: missense variant. On other transcripts: non-coding transcript variant (1), intron variant (1).
Genome position (GRCh38, 1-based): chr12:70,330,300, A>G. VCF-style: chr12-70330300-A-G. GRCh37 (hg19) VCF-style: chr12-70724080-A-G.
Other names: c.386+730A>G (NM_001414662.1); c.400A>G, p.Met134Val (NM_001199302.2, NM_001199303.2, NM_001414651.1 and 1 more transcripts); c.373A>G, p.Met125Val (NM_001414653.1, NM_001414654.1, NM_001414655.1); c.358A>G, p.Met120Val (NM_001414656.1); c.340A>G, p.Met114Val (NM_001414657.1, NM_001414658.1, NM_001414659.1 and 1 more transcripts); c.277A>G, p.Met93Val (NM_001414661.1); short protein forms M114V, M120V, M125V, M134V, M93V.
Identifiers: ClinVar variation 3896585 (VCV003896585.2).
Genomic context (GRCh38, chr12:70,330,300, plus strand): 5'-TGAGTGATTGTAGAGAGCTTATTTAGTATAATGGACTTCTTTTTCAGGGGTATTTTGCCT[A>G]TGAATCCTAGGAATATGATGAACCACTCCCAGGTTGGTCAGGGCATTGGAATTCCTAGCA-3'
Protein context (NP_055330.1, residues 124-144): PPSPSRGILP[Met134Val]NPRNMMNHSQ

ClinVar aggregate classification (germline): Uncertain significance (1 of 4 stars; one submission).

Submission:

Women's Health and Genetics/Laboratory Corporation of America, LabCorp
Classification: Uncertain significance. Last evaluated: 2025-04-28. Review status: criteria provided, single submitter. Criteria: LabCorp Variant Classification Summary - May 2015. Collection method: clinical testing. Allele origin: germline.
Comment: Variant summary: CNOT2 c.400A>G (p.Met134Val) results in a conservative amino acid change in the encoded protein sequence. Three of five in-silico tools predict a benign effect of the variant on protein function. The variant allele was found at a frequency of 1.2e-05 in 244056 control chromosomes. The available data on variant occurrences in the general population are insufficient to allow any conclusion about variant significance. To our knowledge, no occurrence of c.400A>G in individuals affected with Intellectual Developmental Disorder With Nasal Speech, Dysmorphic Facies, And Variable Skeletal Anomalies and no experimental evidence demonstrating its impact on protein function have been reported. No submitters have cited clinical-significance assessments for this variant to ClinVar. Based on the evidence outlined above, the variant was classified as uncertain significance.